The following is an entry in ClinVar:

ClinVar aggregate classification (germline): Uncertain significance (1 of 4 stars; one submission).

Conditions:
AKAP9-related disorder. Also called: AKAP9-related condition.

Allele frequency attached by ClinVar (database versions not stated): gnomAD exomes 0.00001.
gnomAD v4.1: 21 of 1,574,100 alleles (0.0013%); highest among the groups gnomAD compares: Non-Finnish European, 0.0017%; no homozygotes.

Submission:

PreventionGenetics, part of Exact Sciences
Classification: Uncertain significance for AKAP9-related condition. Last evaluated: 2023-04-13. Review status: criteria provided, single submitter. Criteria: ACMG Guidelines, 2015. Collection method: clinical testing. Allele origin: germline.
Comment: The AKAP9 c.8018A>G variant is predicted to result in the amino acid substitution p.Lys2673Arg. To our knowledge, this variant has not been reported in the literature. This variant is reported in 0.0012% of alleles in individuals of European (Non-Finnish) descent in gnomAD. At this time, the clinical significance of this variant is uncertain due to the absence of conclusive functional and genetic evidence.

NM_005751.5(AKAP9):c.8018A>G (p.Lys2673Arg)

Gene: AKAP9 (A-kinase anchoring protein 9; plus strand). Cytogenetic location: 7q21.2.
Variant type: single nucleotide variant.
Coding change: c.8018A>G on transcript NM_005751.5 (MANE Select); coding-DNA position 8018, A replaced by G.
Protein change: p.Lys2673Arg; replaces lysine 2673 with arginine.
Molecular consequence: missense variant.
Genome position (GRCh38, 1-based): chr7:92,080,151, A>G. VCF-style: chr7-92080151-A-G. GRCh37 (hg19) VCF-style: chr7-91709465-A-G.
Other names: c.2663A>G, p.Lys888Arg (NM_001379277.1); c.7994A>G, p.Lys2665Arg (NM_147185.3); short protein forms K2665R, K2673R, K888R.
Identifiers: ClinVar variation 2635729 (VCV002635729.1), dbSNP rs1248370802, ClinGen allele CA368137049.